The following is an entry in ClinVar:

ClinVar aggregate classification (germline): Uncertain significance. Review status: criteria provided, multiple submitters, no conflicts (2 of 4 stars). 2 submissions from 2 submitters: Uncertain significance (2). Last evaluated 2025-12-15.

Conditions:
Inborn genetic diseases. Identifiers: MedGen C0950123, MeSH D030342.

gnomAD v4.1: 1 of 1,613,092 alleles (0.000062%); highest among the groups gnomAD compares: Non-Finnish European, 0.000085%; no homozygotes.

Submissions (2):

Ambry Genetics
Classification: Uncertain significance for Inborn genetic diseases. Last evaluated: 2025-12-15. Review status: criteria provided, single submitter. Criteria: Ambry Variant Classification Scheme 2023. Collection method: clinical testing. Allele origin: germline.

GeneDx
Classification: Uncertain significance. Last evaluated: 2025-06-26. Review status: criteria provided, single submitter. Criteria: GeneDx Variant Classification Process June 2021. Collection method: clinical testing. Allele origin: germline. Affected: yes.
Comment: Not observed at significant frequency in large population cohorts (gnomAD); In silico analysis suggests that this missense variant does not alter protein structure/function; Has not been previously published as pathogenic or benign to our knowledge

NM_181552.4(CUX1):c.3682G>A (p.Val1228Ile)

Gene: CUX1 (cut like homeobox 1; plus strand). Cytogenetic location: 7q22.1.
Variant type: single nucleotide variant.
Coding change: c.3682G>A on transcript NM_181552.4 (MANE Select); coding-DNA position 3682, G replaced by A.
Protein change: p.Val1228Ile; replaces valine 1228 with isoleucine.
Molecular consequence: missense variant. On other transcripts: intron variant (5).
Genome position (GRCh38, 1-based): chr7:102,239,379, G>A. VCF-style: chr7-102239379-G-A. GRCh37 (hg19) VCF-style: chr7-101882659-G-A.
Other names: c.3715G>A, p.Val1239Ile (NM_001202543.2); c.1256-33987G>A (NM_001913.5); c.1250-33987G>A (NM_181500.4); c.1118-33987G>A (NM_001202545.3); c.1208-33987G>A (NM_001202544.3); c.1139-33987G>A (NM_001202546.3); short protein forms V1228I, V1239I.
Identifiers: ClinVar variation 4540288 (VCV004540288.2).
Genomic context (GRCh38, chr7:102,239,379, plus strand): 5'-GCCTACATGAAGCGGCGGCACAGCTCAGTCAGTGACAGCCAGCCCTGCGAACCGCCCTCT[G>A]TCGGCACCGAGTACAGCCAGGGCGCCAGCCCCCAGCCCCAGCACCAGCTGAAGAAACCCC-3'
Protein context (NP_853530.2, residues 1218-1238): SDSQPCEPPS[Val1228Ile]GTEYSQGASP